The following is an entry in ClinVar:

NM_002609.4(PDGFRB):c.2603A>G (p.Lys868Arg)

Gene: PDGFRB (platelet derived growth factor receptor beta; minus strand). Cytogenetic location: 5q32.
Variant type: single nucleotide variant.
Coding change: c.2603A>G on transcript NM_002609.4 (MANE Select); coding-DNA position 2603, A replaced by G.
Protein change: p.Lys868Arg; replaces lysine 868 with arginine.
Molecular consequence: missense variant.
Genome position (GRCh38, 1-based): chr5:150,120,107, T>C on the plus strand (A>G on the coding strand, the complement: PDGFRB is on the minus strand). VCF-style: chr5-150120107-T-C. GRCh37 (hg19) VCF-style: chr5-149499670-T-C.
Other names: c.2411A>G, p.Lys804Arg (NM_001355016.2); c.2120A>G, p.Lys707Arg (NM_001355017.2); short protein forms K707R, K804R, K868R.
Identifiers: ClinVar variation 4527377 (VCV004527377.1).

ClinVar aggregate classification (germline): Uncertain significance (1 of 4 stars; one submission).

Submission:

GeneDx
Classification: Uncertain significance. Last evaluated: 2025-04-24. Review status: criteria provided, single submitter. Criteria: GeneDx Variant Classification Process June 2021. Collection method: clinical testing. Allele origin: germline. Affected: yes.
Comment: Not observed at significant frequency in large population cohorts (gnomAD); In silico analysis supports that this missense variant has a deleterious effect on protein structure/function; In silico analysis supports a deleterious effect on splicing; Has not been previously published as pathogenic or benign to our knowledge